The following is an entry in ClinVar:

NM_001365951.3(KIF1B):c.2943C>G (p.Ser981Arg)

Gene: KIF1B (kinesin family member 1B; plus strand). Cytogenetic location: 1p36.22.
Variant type: single nucleotide variant.
Coding change: c.2943C>G on transcript NM_001365951.3 (MANE Select); coding-DNA position 2943, C replaced by G.
Protein change: p.Ser981Arg; replaces serine 981 with arginine.
Molecular consequence: missense variant.
Genome position (GRCh38, 1-based): chr1:10,334,538, C>G. VCF-style: chr1-10334538-C-G. GRCh37 (hg19) VCF-style: chr1-10394596-C-G.
Other names: c.2943C>G, p.Ser981Arg (NM_001365952.1); c.2805C>G, p.Ser935Arg (NM_015074.3); short protein forms S935R, S981R.
Identifiers: ClinVar variation 4543649 (VCV004543649.1).
Genomic context (GRCh38, chr1:10,334,538, plus strand): 5'-CCATGGATGTTCTGACATTTGTCTCCTGGTTTCTGTCTTTAGGGCATTTGTTTACCTGAG[C>G]AATCTGCTGTATCCCGTGCCCCTGATCCACAGGGTGGCCATCGTCAGTGAGAAAGGTGAA-3'
Protein context (NP_001352880.1, residues 971-991): ILVGRAFVYL[Ser981Arg]NLLYPVPLIH

ClinVar aggregate classification (germline): Uncertain significance (1 of 4 stars; one submission).

Submission:

Ambry Genetics
Classification: Uncertain significance. Last evaluated: 2025-10-21. Review status: criteria provided, single submitter. Criteria: Ambry Variant Classification Scheme 2023. Collection method: clinical testing. Allele origin: germline.
Comment: The p.S935R variant (also known as c.2805C>G), located in coding exon 25 of the KIF1B gene, results from a C to G substitution at nucleotide position 2805. The serine at codon 935 is replaced by arginine, an amino acid with dissimilar properties. This amino acid position is conserved. In addition, this alteration is predicted to be deleterious by in silico analysis. Based on the available evidence, the clinical significance of this variant remains unclear.